The following is an entry in ClinVar:

NM_018699.4(PRDM5):c.155T>C (p.Met52Thr)

Gene: PRDM5 (PR/SET domain 5; minus strand). Cytogenetic location: 4q27.
Variant type: single nucleotide variant.
Coding change: c.155T>C on transcript NM_018699.4 (MANE Select); coding-DNA position 155, T replaced by C.
Protein change: p.Met52Thr; replaces methionine 52 with threonine.
Molecular consequence: missense variant.
Genome position (GRCh38, 1-based): chr4:120,907,496, A>G on the plus strand (T>C on the coding strand, the complement: PRDM5 is on the minus strand). VCF-style: chr4-120907496-A-G. GRCh37 (hg19) VCF-style: chr4-121828651-A-G.
Other names: c.155T>C, p.Met52Thr (NM_001300823.2, NM_001300824.2, NM_001379104.1 and 1 more transcripts); c.155T>C (NM_018699.2); short protein forms M52T.
Identifiers: ClinVar variation 1418545 (VCV001418545.7), dbSNP rs948965979, ClinGen allele CA105131556.
Genomic context (GRCh38, chr4:120,907,496, plus strand): 5'-AAATATATTTTTAACATTAAAATAAGTCATATCCTCACCTCCCACATCAACCTGTAATCC[A>G]TATTTTCATCCAAGTCTTCAGGCATTCTCTTCTCTCCAGCAAAGGGTCCGAACTTTTCAC-3'
Protein context (NP_061169.2, residues 42-62): KRMPEDLDEN[Met52Thr]DYRLMWEVRG

ClinVar aggregate classification (germline): Uncertain significance. Review status: criteria provided, multiple submitters, no conflicts (2 of 4 stars). 2 submissions from 2 submitters: Uncertain significance (2). Last evaluated 2025-08-30.

Conditions:
Cardiovascular phenotype. Identifiers: MedGen CN230736.

Allele frequency attached by ClinVar (database versions not stated): gnomAD exomes below 0.00001.
gnomAD v4.1: 2 of 1,611,498 alleles (0.00012%); no homozygotes.

Submissions (2):

Ambry Genetics
Classification: Uncertain significance for Cardiovascular phenotype. Last evaluated: 2025-08-30. Review status: criteria provided, single submitter. Criteria: Ambry Variant Classification Scheme 2023. Collection method: clinical testing. Allele origin: germline.
Comment: The p.M52T variant (also known as c.155T>C), located in coding exon 2 of the PRDM5 gene, results from a T to C substitution at nucleotide position 155. The methionine at codon 52 is replaced by threonine, an amino acid with similar properties. This amino acid position is conserved. In addition, this alteration is predicted to be tolerated by in silico analysis. Based on the available evidence, the clinical significance of this variant remains unclear.

Labcorp Genetics (formerly Invitae), Labcorp
Classification: Uncertain significance. Last evaluated: 2021-08-14. Review status: criteria provided, single submitter. Criteria: Invitae Variant Classification Sherloc (09022015). Collection method: clinical testing. Allele origin: germline.
Comment: This sequence change replaces methionine with threonine at codon 52 of the PRDM5 protein (p.Met52Thr). The methionine residue is moderately conserved and there is a moderate physicochemical difference between methionine and threonine. This variant is not present in population databases (ExAC no frequency). This variant has not been reported in the literature in individuals affected with PRDM5-related conditions. Algorithms developed to predict the effect of missense changes on protein structure and function (SIFT, PolyPhen-2, Align-GVGD) all suggest that this variant is likely to be tolerated. In summary, the available evidence is currently insufficient to determine the role of this variant in disease. Therefore, it has been classified as a Variant of Uncertain Significance.